The following is an entry in ClinVar:

ClinVar aggregate classification (germline): Uncertain significance. Review status: criteria provided, multiple submitters, no conflicts (2 of 4 stars). 2 submissions from 2 submitters: Uncertain significance (2). Last evaluated 2024-09-20.

Conditions:
Microcephaly-intellectual disability-sensorineural hearing loss-epilepsy-abnormal muscle tone syndrome (NEDHSB). Also called: NEURODEVELOPMENTAL DISORDER WITH HEARING LOSS, SEIZURES, AND BRAIN ABNORMALITIES. Identifiers: Orphanet 457351, MedGen C4225276, MONDO:0014698, OMIM 616577.

Allele frequency attached by ClinVar (database versions not stated): gnomAD exomes below 0.00001; gnomAD 0.00002 and 0.00004; TOPMed 0.00002.
gnomAD v4.1: 21 of 1,614,132 alleles (0.0013%); highest among the groups gnomAD compares: African/African-American, 0.017%; no homozygotes.

Submissions (2):

3billion
Classification: Uncertain significance for Microcephaly-intellectual disability-sensorineural hearing loss-epilepsy-abnormal muscle tone syndrome. Last evaluated: 2024-09-20. Review status: criteria provided, single submitter. Criteria: ACMG Guidelines, 2015. Collection method: clinical testing. Allele origin: germline. Affected: no.
Comment: The variant is observed at an extremely low frequency in the gnomAD v4.1.0 dataset (total allele frequency: 0.001%). Damaging effect on gene or gene product predicted by in silico programs is uncertain [REVEL: 0.13 (damaging >=0.6, benign <0.4), 3Cnet: 0.52 (damaging >=0.6, benign <0.15)]. Therefore, this variant was classified as uncertain significance.

Labcorp Genetics (formerly Invitae), Labcorp
Classification: Uncertain significance for Microcephaly-intellectual disability-sensorineural hearing loss-epilepsy-abnormal muscle tone syndrome. Last evaluated: 2022-09-01. Review status: criteria provided, single submitter. Criteria: Invitae Variant Classification Sherloc (09022015). Collection method: clinical testing. Allele origin: germline.
Comment: This sequence change replaces serine, which is neutral and polar, with threonine, which is neutral and polar, at codon 555 of the SPATA5 protein (p.Ser555Thr). This variant is not present in population databases (gnomAD no frequency). This variant has not been reported in the literature in individuals affected with SPATA5-related conditions. ClinVar contains an entry for this variant (Variation ID: 572155). Advanced modeling of protein sequence and biophysical properties (such as structural, functional, and spatial information, amino acid conservation, physicochemical variation, residue mobility, and thermodynamic stability) performed at Invitae indicates that this missense variant is not expected to disrupt SPATA5 protein function. In summary, the available evidence is currently insufficient to determine the role of this variant in disease. Therefore, it has been classified as a Variant of Uncertain Significance.

NM_145207.3(AFG2A):c.1664G>C (p.Ser555Thr)

Gene: AFG2A (AFG2 AAA ATPase homolog A; plus strand). Cytogenetic location: 4q28.1.
Variant type: single nucleotide variant.
Coding change: c.1664G>C on transcript NM_145207.3 (MANE Select); coding-DNA position 1664, G replaced by C.
Protein change: p.Ser555Thr; replaces serine 555 with threonine.
Molecular consequence: missense variant.
Genome position (GRCh38, 1-based): chr4:122,947,438, G>C. VCF-style: chr4-122947438-G-C. GRCh37 (hg19) VCF-style: chr4-123868593-G-C.
Other names: c.1661G>C, p.Ser554Thr (NM_001317799.2, NM_001345856.2); short protein forms S555T, S554T.
Identifiers: ClinVar variation 572155 (VCV000572155.8), dbSNP rs111333879, ClinGen allele CA104829853.